The following is an entry in ClinVar:

NM_018668.5(VPS33B):c.701-7_701-6del

Gene: VPS33B (VPS33B late endosome and lysosome associated; minus strand). Cytogenetic location: 15q26.1.
Variant type: Deletion.
Coding change: c.701-7_701-6del on transcript NM_018668.5 (MANE Select); 7 bases into the intron before coding-DNA position 701 through 6 bases into the intron before coding-DNA position 701, 2 bases deleted (GT; older notation c.701-7_701-6delGT).
Molecular consequence: intron variant.
Genome position (GRCh38, 1-based): chr15:91,006,735-91,006,736, AC deleted on the plus strand (GT on the coding strand, the reverse complement: VPS33B is on the minus strand); deleting any 2 consecutive bases within chr15:91,006,735-91,006,737 gives the same sequence; the c. name uses the placement nearest the transcript's 3' end. VCF-style (leftmost placement, unchanged base first): chr15-91006734-AAC-A. GRCh37 (hg19) VCF-style: chr15-91549964-AAC-A.
Other names: c.701-7_701-6delGT (NM_018668.5); c.620-7_620-6del (NM_001289148.1); c.428-7_428-6del (NM_001289149.1).
Identifiers: ClinVar variation 2637845 (VCV002637845.1), dbSNP rs2040617319, ClinGen allele CA2195401207.

ClinVar aggregate classification (germline): Uncertain significance (1 of 4 stars; one submission).

Submission:

Women's Health and Genetics/Laboratory Corporation of America, LabCorp
Classification: Uncertain significance. Last evaluated: 2023-10-20. Review status: criteria provided, single submitter. Criteria: LabCorp Variant Classification Summary - May 2015. Collection method: clinical testing. Allele origin: germline.
Comment: Variant summary: VPS33B c.701-7_701-6delGT alters a conserved nucleotide located close to a canonical splice site and therefore could affect mRNA splicing, leading to a significantly altered protein sequence. Consensus agreement among computation tools predict no significant impact on normal splicing. However, these predictions have yet to be confirmed by functional studies. The variant was absent in 251414 control chromosomes (gnomAD). The available data on variant occurrences in the general population are insufficient to allow any conclusion about variant significance. To our knowledge, no occurrence of c.701-7_701-6delGT in individuals affected with VPS33B-Related Disorders and no experimental evidence demonstrating its impact on protein function have been reported. No submitters have cited clinical-significance assessments for this variant to ClinVar after 2014. Based on the evidence outlined above, the variant was classified as uncertain significance.